The following is an entry in ClinVar:

NM_004064.5(CDKN1B):c.158A>G (p.Glu53Gly)

Gene: CDKN1B (cyclin dependent kinase inhibitor 1B; plus strand). Cytogenetic location: 12p13.1.
Variant type: single nucleotide variant.
Coding change: c.158A>G on transcript NM_004064.5 (MANE Select); coding-DNA position 158, A replaced by G.
Protein change: p.Glu53Gly; replaces glutamic acid 53 with glycine.
Molecular consequence: missense variant.
Genome position (GRCh38, 1-based): chr12:12,717,997, A>G. VCF-style: chr12-12717997-A-G. GRCh37 (hg19) VCF-style: chr12-12870931-A-G.
Other names: short protein forms E53G.
Identifiers: ClinVar variation 937318 (VCV000937318.9), dbSNP rs1946489999, ClinGen allele CA383969080.

ClinVar aggregate classification (germline): Uncertain significance (1 of 4 stars; one submission).

Conditions:
Multiple endocrine neoplasia type 4. Also called: MULTIPLE ENDOCRINE NEOPLASIA, TYPE IV. Identifiers: Orphanet 276152, MedGen C1970712, MONDO:0012552, OMIM 610755.

Submission:

Labcorp Genetics (formerly Invitae), Labcorp
Classification: Uncertain significance for Multiple endocrine neoplasia type 4. Last evaluated: 2019-06-06. Review status: criteria provided, single submitter. Criteria: Invitae Variant Classification Sherloc (09022015). Collection method: clinical testing. Allele origin: germline.
Comment: This variant is not present in population databases (ExAC no frequency). This sequence change replaces glutamic acid with glycine at codon 53 of the CDKN1B protein (p.Glu53Gly). The glutamic acid residue is highly conserved and there is a moderate physicochemical difference between glutamic acid and glycine. This variant has not been reported in the literature in individuals with CDKN1B-related conditions. In summary, the available evidence is currently insufficient to determine the role of this variant in disease. Therefore, it has been classified as a Variant of Uncertain Significance. Algorithms developed to predict the effect of missense changes on protein structure and function (SIFT, PolyPhen-2, Align-GVGD) all suggest that this variant is likely to be disruptive, but these predictions have not been confirmed by published functional studies and their clinical significance is uncertain.